The following is an entry in ClinVar:

ClinVar aggregate classification (germline): Uncertain significance (1 of 4 stars; one submission).

Allele frequency attached by ClinVar (database versions not stated): TOPMed below 0.00001; gnomAD 0.00001.
gnomAD v4.1: 10 of 1,613,966 alleles (0.00062%); highest among the groups gnomAD compares: Non-Finnish European, 0.00076%; no homozygotes.

Submission:

Labcorp Genetics (formerly Invitae), Labcorp
Classification: Uncertain significance. Last evaluated: 2023-01-11. Review status: criteria provided, single submitter. Criteria: Invitae Variant Classification Sherloc (09022015). Collection method: clinical testing. Allele origin: germline.
Comment: This sequence change replaces histidine, which is basic and polar, with proline, which is neutral and non-polar, at codon 1601 of the HIVEP2 protein (p.His1601Pro). This variant is not present in population databases (gnomAD no frequency). In summary, the available evidence is currently insufficient to determine the role of this variant in disease. Therefore, it has been classified as a Variant of Uncertain Significance. Advanced modeling of protein sequence and biophysical properties (such as structural, functional, and spatial information, amino acid conservation, physicochemical variation, residue mobility, and thermodynamic stability) performed at Invitae indicates that this missense variant is not expected to disrupt HIVEP2 protein function. This variant has not been reported in the literature in individuals affected with HIVEP2-related conditions.

NM_006734.4(HIVEP2):c.4802A>C (p.His1601Pro)

Gene: HIVEP2 (HIVEP zinc finger 2; minus strand). Cytogenetic location: 6q24.2.
Variant type: single nucleotide variant.
Coding change: c.4802A>C on transcript NM_006734.4 (MANE Select); coding-DNA position 4802, A replaced by C.
Protein change: p.His1601Pro; replaces histidine 1601 with proline.
Molecular consequence: missense variant.
Genome position (GRCh38, 1-based): chr6:142,769,937, T>G on the plus strand (A>C on the coding strand, the complement: HIVEP2 is on the minus strand). VCF-style: chr6-142769937-T-G. GRCh37 (hg19) VCF-style: chr6-143091074-T-G.
Other names: short protein forms H1601P.
Identifiers: ClinVar variation 2872761 (VCV002872761.3), dbSNP rs1775480229, ClinGen allele CA365898073.